The following is an entry in ClinVar:

NM_001040716.2(PC):c.3170C>T (p.Thr1057Met)

Gene: PC (pyruvate carboxylase; minus strand). Cytogenetic location: 11q13.2.
Variant type: single nucleotide variant.
Coding change: c.3170C>T on transcript NM_001040716.2 (MANE Select); coding-DNA position 3170, C replaced by T.
Protein change: p.Thr1057Met; replaces threonine 1057 with methionine.
Molecular consequence: missense variant.
Genome position (GRCh38, 1-based): chr11:66,849,348, G>A on the plus strand (C>T on the coding strand, the complement: PC is on the minus strand). VCF-style: chr11-66849348-G-A. GRCh37 (hg19) VCF-style: chr11-66616819-G-A.
Other names: p.Thr1057Met; c.3170C>T, p.Thr1057Met (NM_000920.4, NM_022172.3); short protein forms T1057M.
Identifiers: ClinVar variation 2343358 (VCV002343358.12), dbSNP rs148661980, ClinGen allele CA6130872.
Genomic context (GRCh38, chr11:66,849,348, plus strand): 5'-AAGACCTGCCTCTGGCCGGCCCGGTTCAGGTCGCTCACGGCCAGGGCTTTGATGTGCAGC[G>A]TCTTGCCCCGCTCCAGCTCCACCTGCAGGGAGGGTGTGCAGACTCAGAGCTGGACGCCAA-3'
Protein context (NP_001035806.1, residues 1047-1067): EFEVELERGK[Thr1057Met]LHIKALAVSD

ClinVar aggregate classification (germline): Conflicting classifications of pathogenicity. Review status: criteria provided, conflicting classifications (1 of 4 stars). 6 submissions from 6 submitters: Uncertain significance (5); Likely benign (1). Last evaluated 2026-01-24.

Conditions:
Inborn genetic diseases. Identifiers: MedGen C0950123, MeSH D030342.
Pyruvate carboxylase deficiency. Also called: ATAXIA WITH LACTIC ACIDOSIS II; LEIGH NECROTIZING ENCEPHALOPATHY DUE TO PYRUVATE CARBOXYLASE DEFICIENCY; LEIGH SYNDROME DUE TO PYRUVATE CARBOXYLASE DEFICIENCY; PC DEFICIENCY; Pyruvate Carboxylase Deficiency Disease. Identifiers: Orphanet 3008, MedGen C0034341, MONDO:0009949, OMIM 266150.

Allele frequency attached by ClinVar (database versions not stated): ExAC 0.00008; gnomAD 0.00014; TOPMed 0.00014; ESP Exome Variant Server 0.00023.
gnomAD v4.1: 492 of 1,613,020 alleles (0.031%); highest among the groups gnomAD compares: Non-Finnish European, 0.039%; no homozygotes.

Submissions (6):

Labcorp Genetics (formerly Invitae), Labcorp
Classification: Likely benign for Pyruvate carboxylase deficiency. Last evaluated: 2026-01-24. Review status: criteria provided, single submitter. Criteria: Invitae Variant Classification Sherloc (09022015). Collection method: clinical testing. Allele origin: germline.

Mayo Clinic Laboratories, Mayo Clinic
Classification: Uncertain significance. Last evaluated: 2025-10-31. Review status: criteria provided, single submitter. Criteria: ACMG Guidelines, 2015. Collection method: clinical testing. Allele origin: germline. Observed: 1 variant allele.
Comment: PP3

Ambry Genetics
Classification: Uncertain significance for Inborn genetic diseases. Last evaluated: 2025-10-30. Review status: criteria provided, single submitter. Criteria: Ambry Variant Classification Scheme 2023. Collection method: clinical testing. Allele origin: germline.
Comment: The c.3170C>T (p.T1057M) alteration is located in exon 21 (coding exon 19) of the PC gene. This alteration results from a C to T substitution at nucleotide position 3170, causing the threonine (T) at amino acid position 1057 to be replaced by a methionine (M). Based on data from gnomAD, the T allele has an overall frequency of 0.011% (32/281594) total alleles studied. The highest observed frequency was 0.028% (2/7192) of Other alleles. Based on insufficient or conflicting evidence, the clinical significance of this alteration remains unclear.

CeGaT Center for Human Genetics Tuebingen
Classification: Uncertain significance. Last evaluated: 2025-04-01. Review status: criteria provided, single submitter. Criteria: CeGaT Center For Human Genetics Tuebingen Variant Classification Criteria Version 2. Collection method: clinical testing. Allele origin: germline. Affected: yes. Observed: 1 variant allele.
Comment: PC: PM2

GeneDx
Classification: Uncertain significance. Last evaluated: 2025-01-10. Review status: criteria provided, single submitter. Criteria: GeneDx Variant Classification Process June 2021. Collection method: clinical testing. Allele origin: germline. Affected: yes.
Comment: In silico analysis supports that this missense variant has a deleterious effect on protein structure/function; Has not been previously published as pathogenic or benign to our knowledge

Blueprint Genetics
Classification: Uncertain significance. Last evaluated: 2024-10-16. Review status: criteria provided, single submitter. Criteria: ACMG Guidelines, 2015. Collection method: clinical testing. Allele origin: germline.